The following is an entry in ClinVar:

NM_022336.4(EDAR):c.1273G>A (p.Glu425Lys)

Genes: EDAR (ectodysplasin A receptor; minus strand), RANBP2 (RAN binding protein 2; plus strand). Cytogenetic location: 2q13.
Variant type: single nucleotide variant.
Coding change: c.1273G>A on transcript NM_022336.4 (MANE Select); coding-DNA position 1273, G replaced by A.
Protein change: p.Glu425Lys; replaces glutamic acid 425 with lysine.
Molecular consequence: missense variant.
Genome position (GRCh38, 1-based): chr2:108,896,981, C>T on the plus strand (G>A on the coding strand, the complement: EDAR is on the minus strand). VCF-style: chr2-108896981-C-T. GRCh37 (hg19) VCF-style: chr2-109513437-C-T.
Other names: short protein forms E425K.
Identifiers: ClinVar variation 1420661 (VCV001420661.6), dbSNP rs2105371442, ClinGen allele CA348047689.
Genomic context (GRCh38, chr2:108,896,981, plus strand): 5'-GTGGCTGGGAGGCAGGTGGCACAACCCCCGCCCACTCCAGTATGTCTGCACACAAGGACT[C>T]CACAGCATCCAGCCGCTCAATCTGCACCAGTTTTGTGAGTAGCTCAGGGATGCTGTAGCC-3'
Protein context (NP_071731.1, residues 415-435): LVQIERLDAV[Glu425Lys]SLCADILEWA

ClinVar aggregate classification (germline): Uncertain significance (1 of 4 stars; one submission).

Conditions:
Autosomal recessive hypohidrotic ectodermal dysplasia syndrome. Also called: Autosomal recessive hypohidrotic ectodermal dysplasia. Identifiers: Orphanet 248, MedGen C0406702, MONDO:0016619.
Ectodermal dysplasia 10A, hypohidrotic/hair/nail type, autosomal dominant (ECTD10A). Also called: Ectodermal Dysplasia 3, Anhidrotic. Identifiers: Orphanet 1810, Orphanet 238468, MedGen C3888065, MONDO:0007509, OMIM 129490.

Submission:

Labcorp Genetics (formerly Invitae), Labcorp
Classification: Uncertain significance for Ectodermal dysplasia 10A, hypohidrotic/hair/nail type, autosomal dominant; Autosomal recessive hypohidrotic ectodermal dysplasia syndrome. Last evaluated: 2021-09-15. Review status: criteria provided, single submitter. Criteria: Invitae Variant Classification Sherloc (09022015). Collection method: clinical testing. Allele origin: germline.
Comment: In summary, the available evidence is currently insufficient to determine the role of this variant in disease. Therefore, it has been classified as a Variant of Uncertain Significance. Advanced modeling of protein sequence and biophysical properties (such as structural, functional, and spatial information, amino acid conservation, physicochemical variation, residue mobility, and thermodynamic stability) performed at Invitae indicates that this missense variant is expected to disrupt EDAR protein function. This variant has not been reported in the literature in individuals affected with EDAR-related conditions. This variant is not present in population databases (ExAC no frequency). This sequence change replaces glutamic acid with lysine at codon 425 of the EDAR protein (p.Glu425Lys). The glutamic acid residue is highly conserved and there is a small physicochemical difference between glutamic acid and lysine.